The following is an entry in ClinVar:

NM_000537.4(REN):c.17G>A (p.Arg6Lys)

Genes: REN (renin; minus strand), LOC107548112 (REN promoter and enhancer region; plus strand). Cytogenetic location: 1q32.1.
Variant type: single nucleotide variant.
Coding change: c.17G>A on transcript NM_000537.4 (MANE Select); coding-DNA position 17, G replaced by A.
Protein change: p.Arg6Lys; replaces arginine 6 with lysine.
Molecular consequence: missense variant.
Genome position (GRCh38, 1-based): chr1:204,166,277, C>T on the plus strand (G>A on the coding strand, the complement: REN is on the minus strand). VCF-style: chr1-204166277-C-T. GRCh37 (hg19) VCF-style: chr1-204135405-C-T.
Other names: short protein forms R6K.
Identifiers: ClinVar variation 2977119 (VCV002977119.4), dbSNP rs753328645, ClinGen allele CA1345091.
Genomic context (GRCh38, chr1:204,166,277, plus strand): 5'-GTCGGGAGACCAAAGGTACAGGAGCCCCAGAGCAGCAGCAGCAGTCCCCAGCGAGGCATC[C>T]TTCTCCATCCATCCATGCTTCCCTCAGTCTGGGGCTCTCTCTGAGATCCACTGAGGTTCT-3'
Protein context (NP_000528.1, residues 1-16): MDGWR[Arg6Lys]MPRWGLLLLL

ClinVar aggregate classification (germline): Uncertain significance. Review status: criteria provided, multiple submitters, no conflicts (2 of 4 stars). 2 submissions from 2 submitters: Uncertain significance (2). Last evaluated 2025-02-03.

Conditions:
Familial juvenile hyperuricemic nephropathy type 2 (ADTKD4). Also called: Autosomal Dominant Tubulointerstitial Kidney Disease – REN; EARLY-ONSET HYPERURICEMIA, ANEMIA, AND PROGRESSIVE KIDNEY FAILURE. Identifiers: Orphanet 217330, MedGen C2751310, MONDO:0013128, OMIM 613092.
Renal tubular dysgenesis of genetic origin. Also called: PRIMITIVE RENAL TUBULE SYNDROME. Identifiers: Orphanet 97369, MedGen C5681536, MONDO:0009970, OMIM 267430.

Allele frequency attached by ClinVar (database versions not stated): ExAC 0.00002; TOPMed 0.00002; gnomAD 0.00003.
gnomAD v4.1: 72 of 1,614,122 alleles (0.0045%); highest among the groups gnomAD compares: Non-Finnish European, 0.0057%; no homozygotes.

Submissions (2):

Labcorp Genetics (formerly Invitae), Labcorp
Classification: Uncertain significance. Last evaluated: 2025-02-03. Review status: criteria provided, single submitter. Criteria: Invitae Variant Classification Sherloc (09022015). Collection method: clinical testing. Allele origin: germline.
Comment: This sequence change replaces arginine, which is basic and polar, with lysine, which is basic and polar, at codon 6 of the REN protein (p.Arg6Lys). This variant is present in population databases (rs753328645, gnomAD 0.005%). This variant has not been reported in the literature in individuals affected with REN-related conditions. ClinVar contains an entry for this variant (Variation ID: 2977119). An algorithm developed to predict the effect of missense changes on protein structure and function outputs the following: PolyPhen-2: "Benign". The lysine amino acid residue is found in multiple mammalian species, which suggests that this missense change does not adversely affect protein function. In summary, the available evidence is currently insufficient to determine the role of this variant in disease. Therefore, it has been classified as a Variant of Uncertain Significance.

Fulgent Genetics
Classification: Uncertain significance for Renal tubular dysgenesis of genetic origin; Familial juvenile hyperuricemic nephropathy type 2. Last evaluated: 2024-05-06. Review status: criteria provided, single submitter. Criteria: ACMG Guidelines, 2015. Collection method: clinical testing. Allele origin: germline.